The following is an entry in ClinVar:

ClinVar aggregate classification (germline): not provided (0 of 4 stars; one submission).

Allele frequency attached by ClinVar (database versions not stated): gnomAD exomes 0.00040; ExAC 0.00047; 1000 Genomes Project 0.00100; 1000 Genomes Project 30x 0.00141; gnomAD 0.00153 and 0.00171; ESP Exome Variant Server 0.00177; TOPMed 0.00191.
gnomAD v4.1: 476 of 1,612,192 alleles (0.03%); highest among the groups gnomAD compares: African/African-American, 0.58%; no homozygotes.

Submission:

Human Evolutionary Genetics, Institut Pasteur
No classification provided. Review status: no classification provided. Collection method: not provided. Allele origin: germline.
ClinVar note: Converted during submission from untested to not provided.

NM_001282144.2(NLRX1):c.-37G>C

Gene: NLRX1 (NLR family member X1; plus strand). Cytogenetic location: 11q23.3.
Variant type: single nucleotide variant.
Coding change: c.-37G>C on transcript NM_001282144.2 (MANE Select); 37 bases upstream of the start codon, G replaced by C.
Molecular consequence: 5 prime UTR variant.
Genome position (GRCh38, 1-based): chr11:119,171,367, G>C. VCF-style: chr11-119171367-G-C. GRCh37 (hg19) VCF-style: chr11-119042076-G-C.
Other names: c.-37G>C (NM_001282143.2, NM_001282358.2, NM_024618.4).
Identifiers: ClinVar variation 103129 (VCV000103129.2), dbSNP rs199476033, ClinGen allele CA230160.
Genomic context (GRCh38, chr11:119,171,367, plus strand): 5'-GCAGGGGAGGAGTGGTGGCAGTGATCCATTCGTACTATTCTTCTTGCAGGACAGAAGTCG[G>C]TCCTAGGCCCCCCAGGCTCTGACCTTCTTTCCCAGGATGAGGTGGGGCCACCATTTGCCC-3'